The following is an entry in ClinVar:

NM_198428.3(BBS9):c.49_51del (p.Lys17del)

Gene: BBS9 (Bardet-Biedl syndrome 9; plus strand). Cytogenetic location: 7p14.3.
Variant type: Deletion.
Coding change: c.49_51del on transcript NM_198428.3 (MANE Select); coding-DNA positions 49 to 51, 3 bases deleted (AAA; older notation c.49_51delAAA).
Protein change: p.Lys17del; deletes lysine 17.
Molecular consequence: inframe deletion. On other transcripts: non-coding transcript variant (3), intron variant (4), 5 prime UTR variant (3).
Genome position (GRCh38, 1-based): chr7:33,146,301-33,146,303, AAA deleted. VCF-style (leftmost placement, unchanged base first): chr7-33146300-TAAA-T. GRCh37 (hg19) VCF-style: chr7-33185912-TAAA-T.
Other names: c.49_51del, p.Lys17del (NM_001348041.4, NM_001348043.3, NM_001362679.1 and 5 more transcripts); c.-23-6400_-23-6398del (NM_001348042.3); c.-189-6400_-189-6398del (NM_001348045.3); c.-39+16260_-39+16262del (NM_001348046.3, NM_001348044.3); c.-253_-251del (NM_001348037.3); c.-229_-227del (NM_001348038.3, NM_001348039.3); short protein forms K17del.
Identifiers: ClinVar variation 1506899 (VCV001506899.5), dbSNP rs1562672388, ClinGen allele CA917978053.
Genomic context (GRCh38, chr7:33,146,300, plus strand): 5'-AGTGTGAAAGAAAATGTCTTTATTTAAAGCCCGTGATTGGTGGTCTACTATTCTGGGAGA[TAAA>T]GAAGAATTTGATCAAGGCTGTTTGTGTCTGGCTAATGTTGACAATAGTGGAAATGGACAA-3'

ClinVar aggregate classification (germline): Uncertain significance (1 of 4 stars; one submission).

Conditions:
Bardet-Biedl syndrome (BBS). Identifiers: Orphanet 110, MedGen C0752166, MONDO:0015229.

Allele frequency attached by ClinVar (database versions not stated): gnomAD exomes below 0.00001.

Submission:

Labcorp Genetics (formerly Invitae), Labcorp
Classification: Uncertain significance for Bardet-Biedl syndrome. Last evaluated: 2022-02-02. Review status: criteria provided, single submitter. Criteria: Invitae Variant Classification Sherloc (09022015). Collection method: clinical testing. Allele origin: germline.
Comment: This variant, c.49_51del, results in the deletion of 1 amino acid(s) of the BBS9 protein (p.Lys17del), but otherwise preserves the integrity of the reading frame. This variant is not present in population databases (gnomAD no frequency). This variant has not been reported in the literature in individuals affected with BBS9-related conditions. Experimental studies and prediction algorithms are not available or were not evaluated, and the functional significance of this variant is currently unknown. In summary, the available evidence is currently insufficient to determine the role of this variant in disease. Therefore, it has been classified as a Variant of Uncertain Significance.